The following is an entry in ClinVar:

NM_198859.4(PRICKLE2):c.581G>A (p.Arg194His)

Gene: PRICKLE2 (prickle planar cell polarity protein 2; minus strand). Cytogenetic location: 3p14.1.
Variant type: single nucleotide variant.
Coding change: c.581G>A on transcript NM_198859.4 (MANE Select); coding-DNA position 581, G replaced by A.
Protein change: p.Arg194His; replaces arginine 194 with histidine.
Molecular consequence: missense variant.
Genome position (GRCh38, 1-based): chr3:64,157,181, C>T on the plus strand (G>A on the coding strand, the complement: PRICKLE2 is on the minus strand). VCF-style: chr3-64157181-C-T. GRCh37 (hg19) VCF-style: chr3-64142857-C-T.
Other names: c.581G>A, p.Arg194His (NM_001370528.1); short protein forms R194H.
Identifiers: ClinVar variation 544244 (VCV000544244.10), dbSNP rs1553644768, ClinGen allele CA353434872.

ClinVar aggregate classification (germline): Uncertain significance. Review status: criteria provided, multiple submitters, no conflicts (2 of 4 stars). 3 submissions from 3 submitters: Uncertain significance (3). Last evaluated 2025-01-25.

Conditions:
Progressive myoclonic epilepsy type 5. Identifiers: Orphanet 402082, MedGen C5190799.

Allele frequency attached by ClinVar (database versions not stated): gnomAD exomes below 0.00001.
gnomAD v4.1: 1 of 1,614,108 alleles (0.000062%); highest among the groups gnomAD compares: Non-Finnish European, 0.000085%; no homozygotes.

Submissions (3):

Ambry Genetics
Classification: Uncertain significance. Last evaluated: 2025-01-25. Review status: criteria provided, single submitter. Criteria: Ambry Variant Classification Scheme 2023. Collection method: clinical testing. Allele origin: germline.

Labcorp Genetics (formerly Invitae), Labcorp
Classification: Uncertain significance for Progressive myoclonic epilepsy type 5. Last evaluated: 2023-11-27. Review status: criteria provided, single submitter. Criteria: Invitae Variant Classification Sherloc (09022015). Collection method: clinical testing. Allele origin: germline.
Comment: This sequence change replaces arginine, which is basic and polar, with histidine, which is basic and polar, at codon 194 of the PRICKLE2 protein (p.Arg194His). This variant is not present in population databases (gnomAD no frequency). This variant has not been reported in the literature in individuals affected with PRICKLE2-related conditions. ClinVar contains an entry for this variant (Variation ID: 544244). Advanced modeling of protein sequence and biophysical properties (such as structural, functional, and spatial information, amino acid conservation, physicochemical variation, residue mobility, and thermodynamic stability) performed at Invitae indicates that this missense variant is expected to disrupt PRICKLE2 protein function with a positive predictive value of 80%. In summary, the available evidence is currently insufficient to determine the role of this variant in disease. Therefore, it has been classified as a Variant of Uncertain Significance.

Blueprint Genetics
Classification: Uncertain significance. Last evaluated: 2022-02-28. Review status: criteria provided, single submitter. Criteria: ACMG Guidelines, 2015. Collection method: clinical testing. Allele origin: germline.